The following is an entry in ClinVar:

NM_001034853.2(RPGR):c.1761A>G (p.Pro587=)

Gene: RPGR (retinitis pigmentosa GTPase regulator; minus strand). Cytogenetic location: Xp11.4.
Variant type: single nucleotide variant.
Coding change: c.1761A>G on transcript NM_001034853.2 (MANE Select); coding-DNA position 1761, A replaced by G.
Protein change: p.Pro587=; no amino-acid change (proline 587 retained).
Molecular consequence: synonymous variant. On other transcripts: non-coding transcript variant (2), intron variant (5).
Genome position (GRCh38, 1-based): chrX:38,287,238, T>C on the plus strand (A>G on the coding strand, the complement: RPGR is on the minus strand). VCF-style: chrX-38287238-T-C. GRCh37 (hg19) VCF-style: chrX-38146491-T-C.
Other names: p.Pro587=; c.1761A>G, p.Pro587= (NM_000328.3); c.1758A>G, p.Pro586= (NM_001367245.1); c.1575A>G, p.Pro525= (NM_001367246.1); c.1569+3721A>G (NM_001367249.1, NM_001367250.1); c.1386+3721A>G (NM_001367251.1); c.1572+3721A>G (NM_001367247.1); c.1602+3721A>G (NM_001367248.1); and 1 more.
Identifiers: ClinVar variation 4684515 (VCV004684515.3).

ClinVar aggregate classification (germline): Likely benign. Review status: criteria provided, multiple submitters, no conflicts (2 of 4 stars). 3 submissions from 3 submitters: Likely benign (3). Last evaluated 2026-02-20.

Conditions:
RPGR-related disorder. Also called: RPGR-related condition.

gnomAD v4.1: 3 of 1,210,090 alleles (0.00025%); highest among the groups gnomAD compares: African/African-American, 0.0017%; no homozygotes.

Submissions (3):

PreventionGenetics, part of Exact Sciences
Classification: Likely benign for RPGR-related condition. Last evaluated: 2026-02-20. Review status: criteria provided, single submitter. Criteria: ACMG Guidelines, 2015. Collection method: clinical testing. Allele origin: germline.
Comment: This variant is classified as likely benign based on ACMG/AMP sequence variant interpretation guidelines (Richards et al. 2015 PMID: 25741868, with internal and published modifications).

Mayo Clinic Laboratories, Mayo Clinic
Classification: Likely benign. Last evaluated: 2024-12-20. Review status: criteria provided, single submitter. Criteria: ACMG Guidelines, 2015. Collection method: clinical testing. Allele origin: germline. Observed: 1 variant allele.
Comment: BP4, BP7, PM2_supporting

Blueprint Genetics
Classification: Likely benign. Last evaluated: 2024-03-20. Review status: criteria provided, single submitter. Criteria: ACMG Guidelines, 2015. Collection method: clinical testing. Allele origin: germline.